The following is an entry in ClinVar:

NC_000023.10:g.(?_41193506)_(41196738_?)dup

Gene: DDX3X (DEAD-box helicase 3 X-linked; plus strand). Cytogenetic location: Xp11.4.
Variant type: Duplication.
Identifiers: ClinVar variation 2423951 (VCV002423951.4).

ClinVar aggregate classification (germline): Uncertain significance (1 of 4 stars; one submission).

Submission:

Labcorp Genetics (formerly Invitae), Labcorp
Classification: Uncertain significance. Last evaluated: 2022-04-18. Review status: criteria provided, single submitter. Criteria: Invitae Variant Classification Sherloc (09022015). Collection method: clinical testing. Allele origin: germline.
Comment: This variant results in a copy number gain of the genomic region encompassing exon(s) 1-2 of the DDX3X gene. This region includes the initiator codon of the gene. This copy number gain extends beyond the assayed region for this gene and therefore may encompass additional genes. As the precise location of this event is unknown, it may be in tandem or it may be located elsewhere in the genome. This variant has not been reported in the literature in individuals affected with DDX3X-related conditions. In summary, the available evidence is currently insufficient to determine the role of this variant in disease. Therefore, it has been classified as a Variant of Uncertain Significance.